The following is an entry in ClinVar:

ClinVar aggregate classification (germline): Conflicting classifications of pathogenicity. Review status: criteria provided, conflicting classifications (1 of 4 stars). 8 submissions from 8 submitters: Uncertain significance (7); Likely benign (1). Last evaluated 2026-05-26.

Conditions:
Renal cell carcinoma. Identifiers: Orphanet 217071, MedGen C0007134, MeSH D002292, MONDO:0005086, HP:0005584.
Hereditary cancer-predisposing syndrome. Also called: Tumor predisposition; Neoplastic Syndromes, Hereditary; Hereditary Cancer Syndrome; Hereditary neoplastic syndrome. Identifiers: Orphanet 140162, MedGen C0027672, MeSH D009386, MONDO:0015356.
Papillary renal cell carcinoma type 1 (RCCP1). Also called: Renal adenocarcinoma; Renal cell carcinoma 1; Renal cell carcinoma, somatic; RENAL CELL CARCINOMA, PAPILLARY, 1, SOMATIC. Identifiers: Orphanet 47044, MedGen C1336839, OMIM 605074, HP:0011797.

Allele frequency attached by ClinVar (database versions not stated): TOPMed 0.00002; 1000 Genomes Project 30x 0.00016; 1000 Genomes Project 0.00020.
gnomAD v4.1: 28 of 1,614,126 alleles (0.0017%); highest among the groups gnomAD compares: East Asian, 0.0067%; 1 homozygote.

Submissions (8):

Ambry Genetics
Classification: Likely benign for Hereditary cancer-predisposing syndrome. Last evaluated: 2026-05-26. Review status: criteria provided, single submitter. Criteria: Ambry Variant Classification Scheme 2023. Collection method: clinical testing. Allele origin: germline.

Labcorp Genetics (formerly Invitae), Labcorp
Classification: Uncertain significance for Renal cell carcinoma. Last evaluated: 2025-10-18. Review status: criteria provided, single submitter. Criteria: Invitae Variant Classification Sherloc (09022015). Collection method: clinical testing. Allele origin: germline.
Comment: This sequence change creates a premature translational stop signal (p.Arg1400*) in the MET gene. While this is not anticipated to result in nonsense mediated decay, it is expected to disrupt the last 9 amino acid(s) of the MET protein. This variant is present in population databases (rs200315561, gnomAD 0.006%). This variant has not been reported in the literature in individuals affected with MET-related conditions. ClinVar contains an entry for this variant (Variation ID: 188266). Experimental studies and prediction algorithms are not available or were not evaluated, and the functional significance of this variant is currently unknown. In summary, the available evidence is currently insufficient to determine the role of this variant in disease. Therefore, it has been classified as a Variant of Uncertain Significance.

GeneDx
Classification: Uncertain significance. Last evaluated: 2025-04-04. Review status: criteria provided, single submitter. Criteria: GeneDx Variant Classification Process June 2021. Collection method: clinical testing. Allele origin: germline. Affected: yes.
Comment: Not observed at significant frequency in large population cohorts (gnomAD); Observed in an individual with breast cancer (PMID: 30093976); Nonsense variant predicted to result in protein truncation as the last 9 amino acids are lost; This variant is associated with the following publications: (PMID: 32029870, 30093976)

Center for Genomic Medicine, Rigshospitalet, Copenhagen University Hospital
Classification: Uncertain significance. Last evaluated: 2025-03-04. Review status: criteria provided, single submitter. Criteria: ACMG Guidelines, 2015. Collection method: clinical testing. Allele origin: germline.

St. Jude Molecular Pathology, St. Jude Children's Research Hospital
Classification: Uncertain significance for Papillary renal cell carcinoma type 1. Last evaluated: 2024-12-20. Review status: criteria provided, single submitter. Criteria: St. Jude Assertion Criteria 2020. Collection method: clinical testing. Allele origin: germline.
Comment: The MET c.4198C>T (p.Arg1400Ter) variant is a nonsense alteration that introduces a premature stop codon. Given its location in the final exon within the 3'-most 30 nucleotides, it is not predicted to trigger nonsense-mediated decay. This variant has a maximum subpopulation frequency of 0.0056% in gnomAD v2.1.1. To our knowledge, this variant has not been reported in individuals with HPRCC. In summary, the evidence currently available is insufficient to determine the clinical significance of this variant. It has therefore been classified as of uncertain significance.

Blueprint Genetics
Classification: Uncertain significance. Last evaluated: 2024-11-15. Review status: criteria provided, single submitter. Criteria: ACMG Guidelines, 2015. Collection method: clinical testing. Allele origin: germline.

CeGaT Center for Human Genetics Tuebingen
Classification: Uncertain significance. Last evaluated: 2023-08-01. Review status: criteria provided, single submitter. Criteria: CeGaT Center For Human Genetics Tuebingen Variant Classification Criteria Version 2. Collection method: clinical testing. Allele origin: germline. Affected: yes. Observed: 1 variant allele.
Comment: MET: PVS1:Moderate

Breakthrough Genomics
Classification: Uncertain significance. Review status: criteria provided, single submitter. Criteria: ACMG Guidelines, 2015. Collection method: not provided. Allele origin: germline. Inheritance: Autosomal recessive inheritance. Affected: yes.

Literature cited by the submitters: PubMed 30093976 (cited by Center for Genomic Medicine, Rigshospitalet, Copenhagen University Hospital); PubMed 29674709 (cited by Center for Genomic Medicine, Rigshospitalet, Copenhagen University Hospital); PubMed 28603720 (cited by Center for Genomic Medicine, Rigshospitalet, Copenhagen University Hospital).

NM_000245.4(MET):c.4144C>T (p.Arg1382Ter)

Gene: MET (MET proto-oncogene, receptor tyrosine kinase; plus strand). Cytogenetic location: 7q31.2.
Variant type: single nucleotide variant.
Coding change: c.4144C>T on transcript NM_000245.4 (MANE Select); coding-DNA position 4144, C replaced by T.
Protein change: p.Arg1382Ter; replaces arginine 1382 with a stop codon.
Molecular consequence: nonsense.
Genome position (GRCh38, 1-based): chr7:116,796,095, C>T. VCF-style: chr7-116796095-C-T. GRCh37 (hg19) VCF-style: chr7-116436149-C-T.
Other names: c.4198C>T (LRG_662t1); c.4198C>T, p.Arg1400Ter (NM_001127500.3); c.2854C>T, p.Arg952Ter (NM_001324402.2); short protein forms R1400*, R952*, R1382*.
Identifiers: ClinVar variation 188266 (VCV000188266.44), dbSNP rs200315561, ClinGen allele CA334474.